The following is an entry in ClinVar:

ClinVar aggregate classification (germline): Uncertain significance. Review status: criteria provided, multiple submitters, no conflicts (2 of 4 stars). 3 submissions from 3 submitters: Uncertain significance (2). 1 of the submissions does not count toward it. Last evaluated 2022-04-04.

Conditions:
Usher syndrome type 1 (USH1). Also called: RETINITIS PIGMENTOSA AND CONGENITAL DEAFNESS. Identifiers: Orphanet 231169, Orphanet 886, MedGen C1568247, MONDO:0010168, OMIM 276900.
Pituitary adenoma 5, multiple types. Identifiers: MedGen C4539685, MONDO:0054601, OMIM 617540.
Usher syndrome type 1D (USH1D). Also called: USHER SYNDROME, TYPE ID. Identifiers: Orphanet 231169, Orphanet 886, MedGen C1832845, MONDO:0010984, OMIM 601067.
Autosomal recessive nonsyndromic hearing loss 12. Also called: DEAFNESS, AUTOSOMAL RECESSIVE 12. Identifiers: Orphanet 90636, MedGen C1832394, MONDO:0011067, OMIM 601386.

gnomAD v4.1: 14 of 1,613,898 alleles (0.00087%); highest among the groups gnomAD compares: South Asian, 0.014%; no homozygotes.

Submissions (3):

Fulgent Genetics
Classification: Uncertain significance for Usher syndrome type 1D; Autosomal recessive nonsyndromic hearing loss 12; Pituitary adenoma 5, multiple types. Last evaluated: 2022-04-04. Review status: criteria provided, single submitter. Criteria: ACMG Guidelines, 2015. Collection method: clinical testing. Allele origin: unknown.

Labcorp Genetics (formerly Invitae), Labcorp
Classification: Uncertain significance. Last evaluated: 2019-10-03. Review status: criteria provided, single submitter. Criteria: Invitae Variant Classification Sherloc (09022015). Collection method: clinical testing. Allele origin: germline.
Comment: This sequence change falls in intron 37 of the CDH23 gene. It does not directly change the encoded amino acid sequence of the CDH23 protein, but it affects a nucleotide within the consensus splice site of the intron. This variant is present in population databases (rs772189237, ExAC 0.02%). This variant has not been reported in the literature in individuals with CDH23-related conditions. Nucleotide substitutions within the consensus splice site are a relatively common cause of aberrant splicing (PMID: 17576681, 9536098). Algorithms developed to predict the effect of sequence changes on RNA splicing suggest that this variant may disrupt the consensus splice site, but this prediction has not been confirmed by published transcriptional studies. In summary, the available evidence is currently insufficient to determine the role of this variant in disease. Therefore, it has been classified as a Variant of Uncertain Significance.

Natera, Inc.
Classification: Uncertain significance for Usher syndrome type 1. Last evaluated: 2021-02-19. Review status: no assertion criteria provided. Collection method: clinical testing. Allele origin: germline. Not counted in ClinVar's aggregate classification.

Literature cited by the submitters: PubMed 17576681 (cited by Labcorp Genetics (formerly Invitae), Labcorp); PubMed 9536098 (cited by Labcorp Genetics (formerly Invitae), Labcorp).

NM_022124.6(CDH23):c.4617+5G>C

Gene: CDH23 (cadherin related 23; plus strand). Cytogenetic location: 10q22.1.
Variant type: single nucleotide variant.
Coding change: c.4617+5G>C on transcript NM_022124.6 (MANE Select); 5 bases into the intron after coding-DNA position 4617, G replaced by C.
Molecular consequence: intron variant.
Genome position (GRCh38, 1-based): chr10:71,740,955, G>C. VCF-style: chr10-71740955-G-C. GRCh37 (hg19) VCF-style: chr10-73500712-G-C.
Identifiers: ClinVar variation 957346 (VCV000957346.6), dbSNP rs772189237, ClinGen allele CA5545096.